The following continues an entry in ClinVar:

NM_000059.4(BRCA2):c.1265del (p.Asn422fs)

Gene: BRCA2. ClinVar aggregate classification (germline): Pathogenic. Pathogenic (1).

Submissions 10 to 18 of 18:

Sema4
Classification: Pathogenic for Hereditary cancer-predisposing syndrome. Last evaluated: 2021-08-10. Review status: criteria provided, single submitter. Criteria: Sema4 Curation Guidelines. Collection method: curation. Allele origin: germline. Not counted in ClinVar's aggregate classification.
Comment: The BRCA2 c.1265delA (p.N422IfsX8) variant has been reported in heterozygosity in numerous individuals with breast, ovarian, or prostate cancer (PMID: 28831036, 24728189, 23569316, 21952622, 29625052). It is also known as 1493delA in the literature. This variant causes a frameshift at amino acid 422 that results in premature termination 8 amino acids downstream. At this location, this is predicted to cause nonsense-mediated decay and result in an absent protein (loss of function). Loss of function variants in BRCA1 or BRCA2 are known to be pathogenic (PMID: 29446198). This variant is not reported in the population database Genome Aggregation Database (PMID: 32461654). This variant has been reported in ClinVar (Variation ID: 37735). Based on the current evidence available, this variant is interpreted as pathogenic.

Quest Diagnostics Nichols Institute San Juan Capistrano
Classification: Pathogenic. Last evaluated: 2021-04-21. Review status: criteria provided, single submitter. Criteria: Quest Diagnostics criteria. Collection method: clinical testing. Allele origin: unknown. Not counted in ClinVar's aggregate classification.
Comment: This frameshift variant causes the premature termination of BRCA2 protein synthesis. In addition, the variant has been reported in individuals with breast, ovarian, and prostate cancer in the published literature (PMID: 17148771 (2006), 21324516 (2011), 21952622 (2011), 23569316 (2013), 24728189 (2014), 29625052 (2018)). This variant has not been reported in large, multi-ethnic general populations. Based on the available information, the variant is classified as pathogenic.

ARUP Laboratories, Molecular Genetics and Genomics, ARUP Laboratories
Classification: Pathogenic. Last evaluated: 2020-05-27. Review status: criteria provided, single submitter. Criteria: ARUP Molecular Germline Variant Investigation Process. Collection method: clinical testing. Allele origin: germline. Not counted in ClinVar's aggregate classification.
Comment: The BRCA2 c.1265delA; p.Asn422fs variant (rs80359273), also known as 1493delA, has been reported in multiple individuals with prostate or ovarian cancers (Kote-Jarai 2011, Risch 2006, Song 2014, Zhang 2011). This variant is absent from general population databases (Exome Variant Server, Genome Aggregation Database), indicating it is not a common polymorphism. This variant introduces a frameshift, and is predicted to result in a truncated protein or an absent transcript. Based on available information, the p.Asn422fs variant is classified as pathogenic. References: Kote-Jarai Z et al. BRCA2 is a moderate penetrance gene contributing to young-onset prostate cancer: implications for genetic testing in prostate cancer patients. Br J Cancer. 2011; 105(8):1230-4. Risch H et al. Population BRCA1 and BRCA2 mutation frequencies and cancer penetrances: a kin-cohort study in Ontario, Canada. J Natl Cancer Inst. 2006; 98(23):1694-706. Song H et al. The contribution of deleterious germline mutations in BRCA1, BRCA2 and the mismatch repair genes to ovarian cancer in the population. Hum Mol Genet. 2014 Sep 1;23(17):4703-9. Zhang S et al. Frequencies of BRCA1 and BRCA2 mutations among 1,342 unselected patients with invasive ovarian cancer. Gynecol Oncol. 2011; 121(2):353-7.

Revvity Omics, Revvity
Classification: Pathogenic. Last evaluated: 2019-06-11. Review status: criteria provided, single submitter. Criteria: ACMG Guidelines, 2015. Collection method: clinical testing. Allele origin: germline. Not counted in ClinVar's aggregate classification.

Consortium of Investigators of Modifiers of BRCA1/2 (CIMBA), c/o University of Cambridge
Classification: Pathogenic for Breast-ovarian cancer, familial, susceptibility to, 2. Last evaluated: 2015-10-02. Review status: criteria provided, single submitter. Criteria: CIMBA Mutation Classification guidelines May 2016. Collection method: clinical testing. Allele origin: germline. Not counted in ClinVar's aggregate classification.

Department of Pathology and Laboratory Medicine, Sinai Health System
Classification: Pathogenic for Hereditary breast ovarian cancer syndrome. Review status: criteria provided, single submitter. Criteria: ACMG Guidelines, 2015. Collection method: clinical testing. Allele origin: germline. Affected: yes. Study: The Canadian Open Genetics Repository (COGR). Not counted in ClinVar's aggregate classification.

Research Molecular Genetics Laboratory, Women's College Hospital, University of Toronto
Classification: Pathogenic for Hereditary breast ovarian cancer syndrome. Last evaluated: 2014-01-31. Review status: no assertion criteria provided. Collection method: research. Allele origin: germline. Affected: yes. Study: The Canadian Open Genetics Repository (COGR). Not counted in ClinVar's aggregate classification.

Sharing Clinical Reports Project (SCRP)
Classification: Pathogenic for Breast-ovarian cancer, familial 2. Last evaluated: 2012-03-13. Review status: no assertion criteria provided. Collection method: clinical testing. Allele origin: germline. Not counted in ClinVar's aggregate classification.

Breast Cancer Information Core (BIC) (BRCA2)
Classification: Pathogenic for Breast-ovarian cancer, familial 2. Last evaluated: 2002-05-29. Review status: no assertion criteria provided. Collection method: clinical testing. Allele origin: germline, unknown. Affected: yes. Observed: 10 variant alleles. Not counted in ClinVar's aggregate classification.

Literature cited by the submitters: PubMed 20104584 (cited by Labcorp Genetics (formerly Invitae), Labcorp); PubMed 17148771 (cited by 5 submitters); PubMed 21324516 (cited by 4 submitters); PubMed 21952622 (cited by 6 submitters); PubMed 23569316 (cited by 5 submitters); PubMed 24728189 (cited by 6 submitters); PubMed 26689913 (cited by Ambry Genetics); PubMed 28831036 (cited by Ambry Genetics and Sema4); PubMed 29446198 (cited by 3 submitters); PubMed 29625052 (cited by 4 submitters); PubMed 29684080 (cited by Ambry Genetics); PubMed 31948886 (cited by Ambry Genetics); PubMed 32090079 (cited by Ambry Genetics); PubMed 8988179 (cited by All of Us Research Program, National Institutes of Health); PubMed 11897832 (cited by All of Us Research Program, National Institutes of Health); PubMed 8640236 (cited by Color Diagnostics, LLC DBA Color Health); PubMed 26295337 (cited by Quest Diagnostics Nichols Institute San Juan Capistrano).